The following is an entry in ClinVar:

NM_152393.4(KLHL40):c.598C>G (p.Arg200Gly)

Gene: KLHL40 (kelch like family member 40; plus strand). Cytogenetic location: 3p22.1.
Variant type: single nucleotide variant.
Coding change: c.598C>G on transcript NM_152393.4 (MANE Select); coding-DNA position 598, C replaced by G.
Protein change: p.Arg200Gly; replaces arginine 200 with glycine.
Molecular consequence: missense variant.
Genome position (GRCh38, 1-based): chr3:42,686,216, C>G. VCF-style: chr3-42686216-C-G. GRCh37 (hg19) VCF-style: chr3-42727708-C-G.
Other names: short protein forms R200G.
Identifiers: ClinVar variation 1464770 (VCV001464770.6), dbSNP rs548002700, ClinGen allele CA352290001.

ClinVar aggregate classification (germline): Uncertain significance (1 of 4 stars; one submission).

Conditions:
Nemaline myopathy 8 (NEM8). Also called: Nemaline myopathy 8, autosomal recessive. Identifiers: Orphanet 171430, MedGen C3809209, MONDO:0014138, OMIM 615348.

Submission:

Labcorp Genetics (formerly Invitae), Labcorp
Classification: Uncertain significance for Nemaline myopathy 8. Last evaluated: 2021-11-14. Review status: criteria provided, single submitter. Criteria: Invitae Variant Classification Sherloc (09022015). Collection method: clinical testing. Allele origin: germline.
Comment: This sequence change replaces arginine, which is basic and polar, with glycine, which is neutral and non-polar, at codon 200 of the KLHL40 protein (p.Arg200Gly). This variant is not present in population databases (gnomAD no frequency). This variant has not been reported in the literature in individuals affected with KLHL40-related conditions. Algorithms developed to predict the effect of missense changes on protein structure and function are either unavailable or do not agree on the potential impact of this missense change (SIFT: "Deleterious"; PolyPhen-2: "Benign"; Align-GVGD: "Class C0"). In summary, the available evidence is currently insufficient to determine the role of this variant in disease. Therefore, it has been classified as a Variant of Uncertain Significance.